The following is an entry in ClinVar:

ClinVar aggregate classification (germline): Pathogenic (1 of 4 stars; one submission).

Conditions:
Nemaline myopathy 2 (NEM2). Also called: Nemaline myopathy 2, autosomal recessive. Identifiers: MedGen C1850569, MONDO:0009725, OMIM 256030.

Submission:

Labcorp Genetics (formerly Invitae), Labcorp
Classification: Pathogenic for Nemaline myopathy 2. Last evaluated: 2021-11-05. Review status: criteria provided, single submitter. Criteria: Invitae Variant Classification Sherloc (09022015). Collection method: clinical testing. Allele origin: germline.
Comment: For these reasons, this variant has been classified as Pathogenic. This variant has not been reported in the literature in individuals affected with NEB-related conditions. This variant is not present in population databases (gnomAD no frequency). This sequence change creates a premature translational stop signal (p.Tyr6090*) in the NEB gene. It is expected to result in an absent or disrupted protein product. Loss-of-function variants in NEB are known to be pathogenic (PMID: 25205138).

Literature cited by the submitters: PubMed 25205138.

NM_001164508.2(NEB):c.18270T>A (p.Tyr6090Ter)

Gene: NEB (nebulin; minus strand). Cytogenetic location: 2q23.3.
Variant type: single nucleotide variant.
Coding change: c.18270T>A on transcript NM_001164508.2 (MANE Select); coding-DNA position 18270, T replaced by A.
Protein change: p.Tyr6090Ter; replaces tyrosine 6090 with a stop codon.
Molecular consequence: nonsense.
Genome position (GRCh38, 1-based): chr2:151,565,597, A>T on the plus strand (T>A on the coding strand, the complement: NEB is on the minus strand). VCF-style: chr2-151565597-A-T. GRCh37 (hg19) VCF-style: chr2-152422111-A-T.
Other names: c.18270T>A, p.Tyr6090Ter (NM_001164507.2, NM_001271208.2); c.13167T>A, p.Tyr4389Ter (NM_004543.5); short protein forms Y6090*, Y4389*.
Identifiers: ClinVar variation 1455302 (VCV001455302.6), dbSNP rs2153729960, ClinGen allele CA348801488.